The following is an entry in ClinVar:

ClinVar aggregate classification (germline): Uncertain significance (1 of 4 stars; one submission).

Conditions:
LEPR-related disorder. Also called: LEPR-related disorders; LEPR-related condition.

Submission:

PreventionGenetics, part of Exact Sciences
Classification: Uncertain significance for LEPR-related condition. Last evaluated: 2025-02-05. Review status: criteria provided, single submitter. Criteria: ACMG Guidelines, 2015. Collection method: clinical testing. Allele origin: germline.
Comment: The LEPR c.1955A>T variant is predicted to result in the amino acid substitution p.Asp652Val. To our knowledge, this variant has not been reported in the literature in association with disease. This variant is also absent from a large population database (gnomAD), indicating this variant is rare. In vitro studies suggest that this variant may function similar to wild type (Supplemental Data Set, Shah et al. 2023. PubMed ID: 36864747). At this time, the clinical significance of this variant is uncertain due to the absence of conclusive functional and genetic evidence.

NM_002303.6(LEPR):c.1955A>T (p.Asp652Val)

Gene: LEPR (leptin receptor; plus strand). Cytogenetic location: 1p31.3.
Variant type: single nucleotide variant.
Coding change: c.1955A>T on transcript NM_002303.6 (MANE Select); coding-DNA position 1955, A replaced by T.
Protein change: p.Asp652Val; replaces aspartic acid 652 with valine.
Molecular consequence: missense variant.
Genome position (GRCh38, 1-based): chr1:65,610,256, A>T. VCF-style: chr1-65610256-A-T. GRCh37 (hg19) VCF-style: chr1-66075939-A-T.
Other names: c.1955A>T, p.Asp652Val (NM_001003679.3, NM_001003680.3, NM_001198687.2 and 2 more transcripts); short protein forms D652V.
Identifiers: ClinVar variation 4997309 (VCV004997309.1).